The following is an entry in ClinVar:

NM_014208.3(DSPP):c.202A>T (p.Arg68Trp)

Genes: DMP1-AS1 (DMP1 and DSPP antisense RNA 1; minus strand), DSPP (dentin sialophosphoprotein; plus strand). Cytogenetic location: 4q22.1.
Variant type: single nucleotide variant.
Coding change: c.202A>T on transcript NM_014208.3 (MANE Select); coding-DNA position 202, A replaced by T.
Protein change: p.Arg68Trp; replaces arginine 68 with tryptophan.
Molecular consequence: missense variant.
Genome position (GRCh38, 1-based): chr4:87,612,388, A>T. VCF-style: chr4-87612388-A-T. GRCh37 (hg19) VCF-style: chr4-88533540-A-T.
Other names: c.202A>T, p.Arg68Trp (LRG_1242t1); short protein forms R68W.
Identifiers: ClinVar variation 16858 (VCV000016858.34), dbSNP rs36094464, ClinGen allele CA126929.

ClinVar aggregate classification (germline): Benign/Likely benign. Review status: criteria provided, multiple submitters, no conflicts (2 of 4 stars). 11 submissions from 11 submitters: Benign (7); Likely benign (2). 2 of the submissions do not count toward it. Last evaluated 2026-02-02.

Conditions:
DSPP-related disorder. Also called: DSPP-related condition.
Dentinogenesis imperfecta type 2 (DGI1). Also called: CAPDEPONT TEETH; Dentinogenesis imperfecta without osteogenesis imperfecta; Dentinogenesis imperfecta - Shield's type II; Hereditary Opalescent Dentin; OPALESCENT DENTIN; OPALESCENT TEETH WITHOUT OSTEOGENESIS IMPERFECTA. Identifiers: Orphanet 166260, MedGen C2973527, MONDO:0007441, OMIM 125490. Disease mechanism: loss of function.
Dentinogenesis imperfecta. Identifiers: Orphanet 49042, MedGen C0011436, MONDO:0018849, HP:0000703.

Allele frequency attached by ClinVar (database versions not stated): gnomAD exomes 0.06797 and 0.08481; ExAC 0.09050; 1000 Genomes Project 0.13678; TOPMed 0.13920; gnomAD 0.14006 and 0.14530; 1000 Genomes Project 30x 0.14569.
gnomAD v4.1: 121,236 of 1,613,918 alleles (7.5%); highest among the groups gnomAD compares: African/African-American, 32%; 7,604 homozygotes.

Submissions (11):

Labcorp Genetics (formerly Invitae), Labcorp
Classification: Benign. Last evaluated: 2026-02-02. Review status: criteria provided, single submitter. Criteria: Invitae Variant Classification Sherloc (09022015). Collection method: clinical testing. Allele origin: germline.

Blueprint Genetics
Classification: Likely benign. Last evaluated: 2024-11-26. Review status: criteria provided, single submitter. Criteria: ACMG Guidelines, 2015. Collection method: clinical testing. Allele origin: germline.

ARUP Laboratories, Molecular Genetics and Genomics, ARUP Laboratories
Classification: Benign. Last evaluated: 2023-11-29. Review status: criteria provided, single submitter. Criteria: ARUP Molecular Germline Variant Investigation Process 2024. Collection method: clinical testing. Allele origin: germline.

Department of Pathology and Laboratory Medicine, Sinai Health System
Classification: Benign for dentinogenesis imperfecta. Last evaluated: 2023-04-19. Review status: criteria provided, single submitter. Criteria: ACMG Guidelines, 2015. Collection method: research. Allele origin: germline.

Mayo Clinic Laboratories, Mayo Clinic
Classification: Benign. Last evaluated: 2020-10-20. Review status: criteria provided, single submitter. Criteria: ACMG Guidelines, 2015. Collection method: clinical testing. Allele origin: germline. Observed: 19 variant alleles.

Mendelics
Classification: Benign for Dentinogenesis imperfecta type 2. Last evaluated: 2019-05-28. Review status: criteria provided, single submitter. Criteria: Mendelics Assertion Criteria 2017. Collection method: clinical testing. Allele origin: unknown.

GeneDx
Classification: Benign. Last evaluated: 2018-12-27. Review status: criteria provided, single submitter. Criteria: GeneDx Variant Classification Process June 2021. Collection method: clinical testing. Allele origin: germline. Affected: yes.
Comment: This variant is associated with the following publications: (PMID: 15592686, 22521702, 19103209, 16955410, 17026502, 17627120, 14758537, 27884173, 20981092, 22310900, 18797159)

Eurofins Ntd Llc (ga)
Classification: Benign. Last evaluated: 2016-04-15. Review status: criteria provided, single submitter. Criteria: EGL Classification Definitions 2015. Collection method: clinical testing. Allele origin: germline. Observed: 1 variant allele, 1 heterozygote.

Breakthrough Genomics
Classification: Likely benign. Review status: criteria provided, single submitter. Criteria: ACMG Guidelines, 2015. Collection method: not provided. Allele origin: germline. Inheritance: Autosomal dominant inheritance. Affected: yes.

PreventionGenetics, part of Exact Sciences
Classification: Benign for DSPP-related condition. Last evaluated: 2019-12-04. Review status: no assertion criteria provided. Collection method: clinical testing. Allele origin: germline. Not counted in ClinVar's aggregate classification.
Comment: This variant is classified as benign based on ACMG/AMP sequence variant interpretation guidelines (Richards et al. 2015 PMID: 25741868, with internal and published modifications).

OMIM
Classification: Pathogenic for DENTINOGENESIS IMPERFECTA, SHIELDS TYPE II. Last evaluated: 2004-04-01. Review status: no assertion criteria provided. Collection method: literature only. Allele origin: germline. Not counted in ClinVar's aggregate classification.

Literature cited by the submitters: PubMed 14758537 (cited by OMIM).